The following is an entry in ClinVar:

ClinVar aggregate classification (germline): Likely benign (1 of 4 stars; one submission).

gnomAD v4.1: 7 of 1,614,202 alleles (0.00043%); highest among the groups gnomAD compares: Admixed American, 0.0033%; no homozygotes.

Submission:

CeGaT Center for Human Genetics Tuebingen
Classification: Likely benign. Last evaluated: 2025-11-01. Review status: criteria provided, single submitter. Criteria: CeGaT Center For Human Genetics Tuebingen Variant Classification Criteria Version 2. Collection method: clinical testing. Allele origin: germline. Affected: yes. Observed: 1 variant allele.
Comment: TBX1: BP4, BP7

NM_005992.1(TBX1):c.1010-3575C>T

Gene: TBX1 (T-box transcription factor 1; plus strand). Cytogenetic location: 22q11.21.
Variant type: single nucleotide variant.
Coding change: c.1010-3575C>T on transcript NM_005992.1; 3575 bases into the intron before coding-DNA position 1010, C replaced by T.
Molecular consequence: intron variant. On other transcripts: synonymous variant (1).
Genome position (GRCh38, 1-based): chr22:19,779,338, C>T. VCF-style: chr22-19779338-C-T. GRCh37 (hg19) VCF-style: chr22-19766861-C-T.
Other names: c.1128C>T, p.Pro376= (NM_080646.2).
Identifiers: ClinVar variation 4534403 (VCV004534403.6).